The following is an entry in ClinVar:

ClinVar aggregate classification (germline): Likely benign. Review status: criteria provided, multiple submitters, no conflicts (2 of 4 stars). 2 submissions from 2 submitters: Likely benign (2). Last evaluated 2023-11-17.

Conditions:
Pitt-Hopkins-like syndrome 2 (PTHSL2). Identifiers: Orphanet 221150, Orphanet 600663, MedGen C3280479, MONDO:0013690, OMIM 614325.

Allele frequency attached by ClinVar (database versions not stated): ExAC 0.00002; gnomAD exomes 0.00002 and 0.00003; 1000 Genomes Project 30x 0.00016; 1000 Genomes Project 0.00020.
gnomAD v4.1: 32 of 1,613,346 alleles (0.002%); highest among the groups gnomAD compares: South Asian, 0.035%; 1 homozygote.

Submissions (2):

Labcorp Genetics (formerly Invitae), Labcorp
Classification: Likely benign for Pitt-Hopkins-like syndrome 2. Last evaluated: 2023-11-17. Review status: criteria provided, single submitter. Criteria: Invitae Variant Classification Sherloc (09022015). Collection method: clinical testing. Allele origin: germline.

GeneDx
Classification: Likely benign. Last evaluated: 2017-10-19. Review status: criteria provided, single submitter. Criteria: GeneDx Variant Classification (06012015). Collection method: clinical testing. Allele origin: germline. Affected: yes.
Comment: This variant is considered likely benign or benign based on one or more of the following criteria: it is a conservative change, it occurs at a poorly conserved position in the protein, it is predicted to be benign by multiple in silico algorithms, and/or has population frequency not consistent with disease.

NM_001330078.2(NRXN1):c.930G>A (p.Leu310=)

Gene: NRXN1 (neurexin 1; minus strand). Cytogenetic location: 2p16.3.
Variant type: single nucleotide variant.
Coding change: c.930G>A on transcript NM_001330078.2 (MANE Select); coding-DNA position 930, G replaced by A.
Protein change: p.Leu310=; no amino-acid change (leucine 310 retained).
Molecular consequence: synonymous variant.
Genome position (GRCh38, 1-based): chr2:50,623,518, C>T on the plus strand (G>A on the coding strand, the complement: NRXN1 is on the minus strand). VCF-style: chr2-50623518-C-T. GRCh37 (hg19) VCF-style: chr2-50850656-C-T.
Other names: c.1029G>A, p.Leu343= (NM_001135659.3); c.930G>A, p.Leu310= (NM_001330077.2, NM_001330082.2, NM_001330085.2 and 3 more transcripts); c.870G>A, p.Leu290= (NM_001330083.2, NM_001330084.2, NM_001330087.2 and 1 more transcripts); c.900G>A, p.Leu300= (NM_001330088.2); c.927G>A, p.Leu309= (NM_001330093.2); c.918G>A, p.Leu306= (NM_001330094.2).
Identifiers: ClinVar variation 512807 (VCV000512807.4), dbSNP rs200532412, ClinGen allele CA1655139.